The following is an entry in ClinVar:

ClinVar aggregate classification (germline): Uncertain significance (1 of 4 stars; one submission).

Conditions:
Usher syndrome type 3B. Also called: USHER SYNDROME, TYPE IIIB. Identifiers: MedGen C3281066, MONDO:0013788, OMIM 614504.

Submission:

Labcorp Genetics (formerly Invitae), Labcorp
Classification: Uncertain significance for Usher syndrome type 3B. Last evaluated: 2022-02-08. Review status: criteria provided, single submitter. Criteria: Invitae Variant Classification Sherloc (09022015). Collection method: clinical testing. Allele origin: germline.
Comment: This variant has not been reported in the literature in individuals affected with HARS-related conditions. This variant is not present in population databases (gnomAD no frequency). This sequence change replaces tyrosine, which is neutral and polar, with cysteine, which is neutral and slightly polar, at codon 172 of the HARS protein (p.Tyr172Cys). Algorithms developed to predict the effect of missense changes on protein structure and function are either unavailable or do not agree on the potential impact of this missense change (SIFT: "Deleterious"; PolyPhen-2: "Benign"; Align-GVGD: "Class C0"). In summary, the available evidence is currently insufficient to determine the role of this variant in disease. Therefore, it has been classified as a Variant of Uncertain Significance.

NM_002109.6(HARS1):c.515A>G (p.Tyr172Cys)

Gene: HARS1 (histidyl-tRNA synthetase 1; minus strand). Cytogenetic location: 5q31.3.
Variant type: single nucleotide variant.
Coding change: c.515A>G on transcript NM_002109.6 (MANE Select); coding-DNA position 515, A replaced by G.
Protein change: p.Tyr172Cys; replaces tyrosine 172 with cysteine.
Molecular consequence: missense variant. On other transcripts: intron variant (4).
Genome position (GRCh38, 1-based): chr5:140,679,009, T>C on the plus strand (A>G on the coding strand, the complement: HARS1 is on the minus strand). VCF-style: chr5-140679009-T-C. GRCh37 (hg19) VCF-style: chr5-140058594-T-C.
Other names: c.395A>G, p.Tyr132Cys (NM_001258040.3); c.428A>G, p.Tyr143Cys (NM_001289094.2); c.181-994A>G (NM_001289093.2); c.342+53A>G (NM_001258042.3); c.301-994A>G (NM_001289092.2); c.462+53A>G (NM_001258041.3); short protein forms Y143C, Y132C, Y172C.
Identifiers: ClinVar variation 2094765 (VCV002094765.4), dbSNP rs2481265710, ClinGen allele CA361256794.